The following is an entry in ClinVar:

NM_020340.5(ARFGEF3):c.4662C>T (p.Tyr1554=)

Gene: ARFGEF3 (ARFGEF family member 3; plus strand). Cytogenetic location: 6q24.1.
Variant type: single nucleotide variant.
Coding change: c.4662C>T on transcript NM_020340.5 (MANE Select); coding-DNA position 4662, C replaced by T.
Protein change: p.Tyr1554=; no amino-acid change (tyrosine 1554 retained).
Molecular consequence: synonymous variant.
Genome position (GRCh38, 1-based): chr6:138,321,121, C>T. VCF-style: chr6-138321121-C-T. GRCh37 (hg19) VCF-style: chr6-138642258-C-T.
Identifiers: ClinVar variation 3056200 (VCV003056200.2), dbSNP rs17510658, ClinGen allele CA4021426.
Genomic context (GRCh38, chr6:138,321,121, plus strand): 5'-CCCCTTTACACTAGAGCTGTGTGAAACTGTGATTTTGCTGTTTCCCATAGATATCAGGTA[C>T]GAGAGCATGATCAATACCATGCTGAAGGACCTCTTTGAGTTGCTGGTCGCCTGTGTGGCC-3'
Protein context (NP_065073.3, residues 1544-1564): IQSFLHSDIR[Tyr1554=]ESMINTMLKD

ClinVar aggregate classification (germline): Benign (0 of 4 stars; one submission).

Conditions:
ARFGEF3-related disorder. Also called: ARFGEF3-related condition.

Allele frequency attached by ClinVar (database versions not stated): 1000 Genomes Project 0.03814; 1000 Genomes Project 30x 0.04154; gnomAD exomes 0.04579; TOPMed 0.04940; ESP Exome Variant Server 0.05011; gnomAD 0.05024; ExAC 0.05596.
gnomAD v4.1: 71,797 of 1,552,316 alleles (4.6%); highest among the groups gnomAD compares: African/African-American, 7%; 1,875 homozygotes.

Submission:

PreventionGenetics, part of Exact Sciences
Classification: Benign for ARFGEF3-related condition. Last evaluated: 2019-03-22. Review status: no assertion criteria provided. Collection method: clinical testing. Allele origin: germline.
Comment: This variant is classified as benign based on ACMG/AMP sequence variant interpretation guidelines (Richards et al. 2015 PMID: 25741868, with internal and published modifications).